The following is an entry in ClinVar:

NM_000038.6(APC):c.7494T>C (p.Ser2498=)

Gene: APC (APC regulator of Wnt signaling pathway; plus strand). Cytogenetic location: 5q22.2.
Variant type: single nucleotide variant.
Coding change: c.7494T>C on transcript NM_000038.6 (MANE Select); coding-DNA position 7494, T replaced by C.
Protein change: p.Ser2498=; no amino-acid change (serine 2498 retained).
Molecular consequence: synonymous variant. On other transcripts: non-coding transcript variant (2).
Genome position (GRCh38, 1-based): chr5:112,843,088, T>C. VCF-style: chr5-112843088-T-C. GRCh37 (hg19) VCF-style: chr5-112178785-T-C.
Other names: c.7494T>C, p.Ser2498= (NM_001127510.3, NM_001354895.2, NM_001407450.1); c.7440T>C, p.Ser2480= (NM_001127511.3); c.7548T>C, p.Ser2516= (NM_001354896.2, NM_001407447.1, NM_001407448.1 and 1 more transcripts); c.7524T>C, p.Ser2508= (NM_001354897.2); c.7419T>C, p.Ser2473= (NM_001354898.2); c.7410T>C, p.Ser2470= (NM_001354899.2); c.7371T>C, p.Ser2457= (NM_001354900.2); c.7317T>C, p.Ser2439= (NM_001354901.2, NM_001407453.1); and 11 more.
Identifiers: ClinVar variation 4085715 (VCV004085715.8).

ClinVar aggregate classification (germline): Likely benign (1 of 4 stars; one submission).

Submission:

CeGaT Center for Human Genetics Tuebingen
Classification: Likely benign. Last evaluated: 2025-08-01. Review status: criteria provided, single submitter. Criteria: CeGaT Center For Human Genetics Tuebingen Variant Classification Criteria Version 2. Collection method: clinical testing. Allele origin: germline. Affected: yes. Observed: 1 variant allele.
Comment: APC: PM2:Supporting, BP4, BP7